The following is an entry in ClinVar:

NM_015512.5(DNAH1):c.6792G>A (p.Gln2264=)

Gene: DNAH1 (dynein axonemal heavy chain 1; plus strand). Cytogenetic location: 3p21.1.
Variant type: single nucleotide variant.
Coding change: c.6792G>A on transcript NM_015512.5 (MANE Select); coding-DNA position 6792, G replaced by A.
Protein change: p.Gln2264=; no amino-acid change (glutamine 2264 retained).
Molecular consequence: synonymous variant.
Genome position (GRCh38, 1-based): chr3:52,372,352, G>A. VCF-style: chr3-52372352-G-A. GRCh37 (hg19) VCF-style: chr3-52406368-G-A.
Identifiers: ClinVar variation 4873813 (VCV004873813.2).

ClinVar aggregate classification (germline): Likely benign (1 of 4 stars; one submission).

gnomAD v4.1: 2 of 1,613,930 alleles (0.00012%); highest among the groups gnomAD compares: Non-Finnish European, 0.00017%; no homozygotes.

Submission:

CeGaT Center for Human Genetics Tuebingen
Classification: Likely benign. Last evaluated: 2026-06-01. Review status: criteria provided, single submitter. Criteria: CeGaT Center For Human Genetics Tuebingen Variant Classification Criteria Version 2. Collection method: clinical testing. Allele origin: germline. Affected: yes. Observed: 1 variant allele.
Comment: DNAH1: BP4, BP7